The following is an entry in ClinVar:

ClinVar aggregate classification (germline): Benign. Review status: criteria provided, single submitter (1 of 4 stars). 2 submissions from 2 submitters: Benign (1). 1 of the submissions does not count toward it. Last evaluated 2018-10-31.

Conditions:
SYNJ1-related disorder. Also called: SYNJ1-related condition.
Developmental and epileptic encephalopathy, 53. Also called: Epileptic encephalopathy, early infantile, 53. Identifiers: MedGen C4479313, MONDO:0033362, OMIM 617389.
Early-onset Parkinson disease 20. Also called: PARKINSON DISEASE 20, AUTOSOMAL RECESSIVE EARLY-ONSET. Identifiers: Orphanet 391411, MedGen C3809824, MONDO:0014233, OMIM 615530.

Submissions (2):

Labcorp Genetics (formerly Invitae), Labcorp
Classification: Benign for Developmental and epileptic encephalopathy, 53; Early-onset Parkinson disease 20. Last evaluated: 2018-10-31. Review status: criteria provided, single submitter. Criteria: Invitae Variant Classification Sherloc (09022015). Collection method: clinical testing. Allele origin: germline.

PreventionGenetics, part of Exact Sciences
Classification: Uncertain significance for SYNJ1-related condition. Last evaluated: 2024-06-25. Review status: no assertion criteria provided. Collection method: clinical testing. Allele origin: germline. Not counted in ClinVar's aggregate classification.
Comment: The SYNJ1 c.4216_4217delinsAATACTTC variant is predicted to result in an in-frame deletion and insertion. To our knowledge, this variant has not been reported in the literature or in a large population database, indicating this variant is rare. At this time, the clinical significance of this variant is uncertain due to the absence of conclusive functional and genetic evidence.

NM_203446.3(SYNJ1):c.*187_*188delinsAATACTTC

Gene: SYNJ1 (synaptojanin 1; minus strand). Cytogenetic location: 21q22.11.
Variant type: Indel.
Coding change: c.*187_*188delinsAATACTTC on transcript NM_203446.3 (MANE Select); 187 bases downstream of the stop codon through 188 bases downstream of the stop codon, TT replaced by AATACTTC.
Molecular consequence: 3 prime UTR variant. On other transcripts: inframe indel (2).
Genome position (GRCh38, 1-based): chr21:32,631,617-32,631,618, AA replaced by GAAGTATT on the plus strand (TT replaced by AATACTTC on the coding strand, the reverse complement: SYNJ1 is on the minus strand). VCF-style: chr21-32631617-AA-GAAGTATT. GRCh37 (hg19) VCF-style: chr21-34003927-AA-GAAGTATT.
Other names: c.*187_*188delinsAATACTTC (NM_001160302.2); c.3958_3959delinsAATACTTC, p.Leu1320delinsAsnThrSer (NM_001160306.2); c.4216_4217delinsAATACTTC, p.Leu1406delinsAsnThrSer (NM_003895.4).
Identifiers: ClinVar variation 3350200 (VCV003350200.2).
Genomic context (GRCh38, chr21:32,631,617, plus strand): 5'-TCCTGGGATTGACTCCGAGCTGGAATTGGAGGCATTGTTGGCATGCAACTTACAGAACTC[AA>GAAGTATT]AACATTACTTTGCGTTGCAGAAGGCAACTGAATCAACCTCTTTGGGTCTGGGGTGGGAAC-3'